The following is an entry in ClinVar:

NM_001372106.1(DNAH10):c.1491C>T (p.Ala497=)

Gene: DNAH10 (dynein axonemal heavy chain 10; plus strand). Cytogenetic location: 12q24.31.
Variant type: single nucleotide variant.
Coding change: c.1491C>T on transcript NM_001372106.1 (MANE Select); coding-DNA position 1491, C replaced by T.
Protein change: p.Ala497=; no amino-acid change (alanine 497 retained).
Molecular consequence: synonymous variant.
Genome position (GRCh38, 1-based): chr12:123,787,873, C>T. VCF-style: chr12-123787873-C-T. GRCh37 (hg19) VCF-style: chr12-124272420-C-T.
Other names: c.1308C>T, p.Ala436= (NM_001083900.1, NM_207437.3).
Identifiers: ClinVar variation 2643521 (VCV002643521.24), dbSNP rs144145237, ClinGen allele CA6862777.

ClinVar aggregate classification (germline): Likely benign (1 of 4 stars; one submission).

Allele frequency attached by ClinVar (database versions not stated): 1000 Genomes Project 30x 0.00016; gnomAD 0.00019; 1000 Genomes Project 0.00020; ExAC 0.00020; ESP Exome Variant Server 0.00023; TOPMed 0.00023.
gnomAD v4.1: 306 of 1,614,008 alleles (0.019%); highest among the groups gnomAD compares: Middle Eastern, 0.61%; 2 homozygotes.

Submission:

CeGaT Center for Human Genetics Tuebingen
Classification: Likely benign. Last evaluated: 2023-02-01. Review status: criteria provided, single submitter. Criteria: CeGaT Center For Human Genetics Tuebingen Variant Classification Criteria Version 2. Collection method: clinical testing. Allele origin: germline. Affected: yes. Observed: 1 variant allele.
Comment: DNAH10: BP4, BP7